The following is an entry in ClinVar:

NM_001352027.3(PHF21A):c.1228-16C>T

Gene: PHF21A (PHD finger protein 21A; minus strand). Cytogenetic location: 11p11.2.
Variant type: single nucleotide variant.
Coding change: c.1228-16C>T on transcript NM_001352027.3 (MANE Select); 16 bases into the intron before coding-DNA position 1228, C replaced by T.
Molecular consequence: intron variant.
Genome position (GRCh38, 1-based): chr11:45,948,962, G>A on the plus strand (C>T on the coding strand, the complement: PHF21A is on the minus strand). VCF-style: chr11-45948962-G-A. GRCh37 (hg19) VCF-style: chr11-45970513-G-A.
Other names: c.1225-16C>T (NM_001352030.3, NM_001101802.3, NM_001352031.3 and 1 more transcripts); c.1228-16C>T (NM_001352026.3, NM_016621.5, NM_001352025.3 and 2 more transcripts).
Identifiers: ClinVar variation 2431359 (VCV002431359.1), dbSNP rs2496618553, ClinGen allele CA2580084114.

ClinVar aggregate classification (germline): Uncertain significance (1 of 4 stars; one submission).

Conditions:
Intellectual developmental disorder with behavioral abnormalities and craniofacial dysmorphism with or without seizures. Identifiers: MedGen C5231476, MONDO:0032883, OMIM 618725.

Submission:

Laboratorio de Genetica e Diagnostico Molecular, Hospital Israelita Albert Einstein
Classification: Uncertain significance for Intellectual developmental disorder with behavioral abnormalities and craniofacial dysmorphism with or without seizures. Last evaluated: 2022-03-10. Review status: criteria provided, single submitter. Criteria: ACMG Guidelines, 2015. Collection method: clinical testing. Allele origin: germline. Affected: yes. Observed: 1 variant allele.
Comment: ACMG classification criteria: PM2 moderated